The following is an entry in ClinVar:

ClinVar aggregate classification (germline): Uncertain significance (1 of 4 stars; one submission).

Conditions:
Inborn genetic diseases. Identifiers: MedGen C0950123, MeSH D030342.

Submission:

Ambry Genetics
Classification: Uncertain significance for Inborn genetic diseases. Last evaluated: 2022-06-20. Review status: criteria provided, single submitter. Criteria: Ambry Variant Classification Scheme 2023. Collection method: clinical testing. Allele origin: germline.
Comment: The p.P1298T variant (also known as c.3892C>A), located in coding exon 28 of the LRRK2 gene, results from a C to A substitution at nucleotide position 3892. The proline at codon 1298 is replaced by threonine, an amino acid with highly similar properties. This amino acid position is conserved. In addition, the in silico prediction for this alteration is inconclusive. Since supporting evidence is limited at this time, the clinical significance of this alteration remains unclear.

NM_198578.4(LRRK2):c.3892C>A (p.Pro1298Thr)

Gene: LRRK2 (leucine rich repeat kinase 2; plus strand). Cytogenetic location: 12q12.
Variant type: single nucleotide variant.
Coding change: c.3892C>A on transcript NM_198578.4 (MANE Select); coding-DNA position 3892, C replaced by A.
Protein change: p.Pro1298Thr; replaces proline 1298 with threonine.
Molecular consequence: missense variant.
Genome position (GRCh38, 1-based): chr12:40,305,899, C>A. VCF-style: chr12-40305899-C-A. GRCh37 (hg19) VCF-style: chr12-40699701-C-A.
Other names: short protein forms P1298T.
Identifiers: ClinVar variation 1735907 (VCV001735907.2), dbSNP rs865865671, ClinGen allele CA384417277.